The following is an entry in ClinVar:

ClinVar aggregate classification (germline): Uncertain significance. Review status: criteria provided, multiple submitters, no conflicts (2 of 4 stars). 2 submissions from 2 submitters: Uncertain significance (2). Last evaluated 2022-07-26.

Conditions:
Pitt-Hopkins-like syndrome 2 (PTHSL2). Identifiers: Orphanet 221150, Orphanet 600663, MedGen C3280479, MONDO:0013690, OMIM 614325.

Allele frequency attached by ClinVar (database versions not stated): gnomAD exomes below 0.00001.
gnomAD v4.1: 2 of 1,582,656 alleles (0.00013%); highest among the groups gnomAD compares: East Asian, 0.0023%; no homozygotes.

Submissions (2):

GeneDx
Classification: Uncertain significance. Last evaluated: 2022-07-26. Review status: criteria provided, single submitter. Criteria: GeneDx Variant Classification Process June 2021. Collection method: clinical testing. Allele origin: germline. Affected: yes.
Comment: In silico analysis supports that this missense variant does not alter protein structure/function; Has not been previously published as pathogenic or benign to our knowledge

Labcorp Genetics (formerly Invitae), Labcorp
Classification: Uncertain significance for Pitt-Hopkins-like syndrome 2. Last evaluated: 2021-01-28. Review status: criteria provided, single submitter. Criteria: Invitae Variant Classification Sherloc (09022015). Collection method: clinical testing. Allele origin: germline.
Comment: In summary, the available evidence is currently insufficient to determine the role of this variant in disease. Therefore, it has been classified as a Variant of Uncertain Significance. Algorithms developed to predict the effect of missense changes on protein structure and function are either unavailable or do not agree on the potential impact of this missense change (SIFT: "Deleterious"; PolyPhen-2: "Benign"; Align-GVGD: "Class C0"). This variant has not been reported in the literature in individuals with NRXN1-related conditions. This variant is not present in population databases (ExAC no frequency). This sequence change replaces lysine with arginine at codon 59 of the NRXN1 protein (p.Lys59Arg). The lysine residue is highly conserved and there is a small physicochemical difference between lysine and arginine.

NM_001330078.2(NRXN1):c.176A>G (p.Lys59Arg)

Gene: NRXN1 (neurexin 1; minus strand). Cytogenetic location: 2p16.3.
Variant type: single nucleotide variant.
Coding change: c.176A>G on transcript NM_001330078.2 (MANE Select); coding-DNA position 176, A replaced by G.
Protein change: p.Lys59Arg; replaces lysine 59 with arginine.
Molecular consequence: missense variant.
Genome position (GRCh38, 1-based): chr2:51,028,098, T>C on the plus strand (A>G on the coding strand, the complement: NRXN1 is on the minus strand). VCF-style: chr2-51028098-T-C. GRCh37 (hg19) VCF-style: chr2-51255236-T-C.
Other names: c.176A>G (NM_001135659.1); c.176A>G, p.Lys59Arg (NM_001135659.3, NM_001330077.2, NM_001330079.2 and 15 more transcripts); short protein forms K59R.
Identifiers: ClinVar variation 1005442 (VCV001005442.11), dbSNP rs1311818932, ClinGen allele CA346824529.
Genomic context (GRCh38, chr2:51,028,098, plus strand): 5'-AGGAAGTCGCAGAAGCCCTCGTCGTCGAAGTAGAGCACGAGGCCGCGGGCGCTGCGAGTC[T>C]TGAGCTGGAAGCTCATCTCGCTCTCGCAGCAGGCGTTCCACTTGGGGAAGCGCGTCCATT-3'
Protein context (NP_001317007.1, residues 49-69): CCESEMSFQL[Lys59Arg]TRSARGLVLY